The following is an entry in ClinVar:

ClinVar aggregate classification (germline): Conflicting classifications of pathogenicity. Review status: criteria provided, conflicting classifications (1 of 4 stars). 3 submissions from 3 submitters: Uncertain significance (2); Likely benign (1). Last evaluated 2024-07-10.

Conditions:
Cone-rod dystrophy 20 (CORD20). Identifiers: Orphanet 1872, MedGen C4014856, MONDO:0014427, OMIM 615973.

Allele frequency attached by ClinVar (database versions not stated): ESP Exome Variant Server 0.00016; gnomAD 0.00032; gnomAD exomes 0.00033 and 0.00056; TOPMed 0.00037; ExAC 0.00158.
gnomAD v4.1: 782 of 1,464,620 alleles (0.053%); highest among the groups gnomAD compares: Middle Eastern, 0.091%; no homozygotes.

Submissions (3):

Blueprint Genetics
Classification: Likely benign. Last evaluated: 2024-07-10. Review status: criteria provided, single submitter. Criteria: ACMG Guidelines, 2015. Collection method: clinical testing. Allele origin: germline.

Fulgent Genetics
Classification: Uncertain significance for Cone-rod dystrophy 20. Last evaluated: 2024-06-18. Review status: criteria provided, single submitter. Criteria: ACMG Guidelines, 2015. Collection method: clinical testing. Allele origin: germline.

Labcorp Genetics (formerly Invitae), Labcorp
Classification: Uncertain significance. Last evaluated: 2022-10-13. Review status: criteria provided, single submitter. Criteria: Invitae Variant Classification Sherloc (09022015). Collection method: clinical testing. Allele origin: germline.
Comment: This sequence change replaces alanine, which is neutral and non-polar, with threonine, which is neutral and polar, at codon 4 of the POC1B protein (p.Ala4Thr). This variant is present in population databases (rs199806871, gnomAD 0.06%). This variant has not been reported in the literature in individuals affected with POC1B-related conditions. ClinVar contains an entry for this variant (Variation ID: 855489). Algorithms developed to predict the effect of missense changes on protein structure and function (SIFT, PolyPhen-2, Align-GVGD) all suggest that this variant is likely to be tolerated. In summary, the available evidence is currently insufficient to determine the role of this variant in disease. Therefore, it has been classified as a Variant of Uncertain Significance.

NM_172240.3(POC1B):c.10G>A (p.Ala4Thr)

Genes: POC1B (POC1 centriolar protein B; minus strand), POC1B-AS1 (POC1B antisense RNA 1; plus strand), POC1B-DUSP6 (POC1B-DUSP6 readthrough; minus strand), POC1B-GALNT4 (POC1B-GALNT4 readthrough; minus strand), LOC130008357 (ATAC-STARR-seq lymphoblastoid silent region 4694; plus strand). Cytogenetic location: 12q21.33.
Variant type: single nucleotide variant.
Coding change: c.10G>A on transcript NM_172240.3 (MANE Select); coding-DNA position 10, G replaced by A.
Protein change: p.Ala4Thr; replaces alanine 4 with threonine.
Molecular consequence: missense variant. On other transcripts: synonymous variant (1), non-coding transcript variant (1).
Genome position (GRCh38, 1-based): chr12:89,525,886, C>T on the plus strand (G>A on the coding strand, the complement: POC1B is on the minus strand). VCF-style: chr12-89525886-C-T. GRCh37 (hg19) VCF-style: chr12-89919663-C-T.
Other names: c.10G>A, p.Ala4Thr (NM_001199781.2); c.270G>A, p.Gln90= (NM_001199782.1); short protein forms A4T.
Identifiers: ClinVar variation 855489 (VCV000855489.7), dbSNP rs199806871, ClinGen allele CA6715018.